The following is an entry in ClinVar:

ClinVar aggregate classification (germline): Conflicting classifications of pathogenicity. Review status: criteria provided, conflicting classifications (1 of 4 stars). 8 submissions from 8 submitters: Uncertain significance (7); Likely benign (1). Last evaluated 2026-01-19.

Conditions:
RYR1-related disorder. Also called: RYR1-related disorders; RYR1-related condition. Identifiers: MedGen CN239331.
Congenital multicore myopathy with external ophthalmoplegia (CMYO1B). Also called: Minicore myopathy with external ophthalmoplegia; MULTIMINICORE DISEASE WITH EXTERNAL OPHTHALMOPLEGIA; MULTICORE MYOPATHY; Congenital myopathy 1B, autosomal recessive; Minicore myopathy. Identifiers: Orphanet 598, Orphanet 98905, MedGen C1850674, MONDO:0009712, OMIM 255320, HP:0003789.

Submissions (8):

Labcorp Genetics (formerly Invitae), Labcorp
Classification: Uncertain significance for RYR1-related disorder. Last evaluated: 2026-01-19. Review status: criteria provided, single submitter. Criteria: Invitae Variant Classification Sherloc (09022015). Collection method: clinical testing. Allele origin: germline.
Comment: This variant, c.13244_13264del, results in the deletion of 7 amino acid(s) of the RYR1 protein (p.Ala4415_Asp4421del), but otherwise preserves the integrity of the reading frame. This variant is present in population databases (rs763413580, gnomAD 0.07%). This variant has been observed in individual(s) with clinical features of autosomal recessive RYR1-related conditions (PMID: 26994242; internal data). ClinVar contains an entry for this variant (Variation ID: 478181). Experimental studies and prediction algorithms are not available or were not evaluated, and the functional significance of this variant is currently unknown. In summary, the available evidence is currently insufficient to determine the role of this variant in disease. Therefore, it has been classified as a Variant of Uncertain Significance.

PreventionGenetics, part of Exact Sciences
Classification: Uncertain significance for RYR1-related condition. Last evaluated: 2025-04-25. Review status: criteria provided, single submitter. Criteria: ACMG Guidelines, 2015. Collection method: clinical testing. Allele origin: germline.
Comment: The RYR1 c.13244_13264del21 variant is predicted to result in an in-frame deletion (p.Ala4415_Asp4421del). This variant has been reported in an individual with exertional heat stroke (Roux-Buisson et al. 2016. PubMed ID: 26994242). This variant is reported in 0.087% of alleles in individuals of East Asian descent in gnomAD. At this time, the clinical significance of this variant is uncertain due to the absence of conclusive functional and genetic evidence.

Revvity Omics, Revvity
Classification: Uncertain significance. Last evaluated: 2025-01-27. Review status: criteria provided, single submitter. Criteria: ACMG Guidelines, 2015. Collection method: clinical testing. Allele origin: germline.

GeneDx
Classification: Uncertain significance. Last evaluated: 2025-01-10. Review status: criteria provided, single submitter. Criteria: GeneDx Variant Classification Process June 2021. Collection method: clinical testing. Allele origin: germline. Affected: yes.
Comment: In-frame deletion of 7 amino acids in a non-repeat region; In silico analysis supports a deleterious effect on protein structure/function; Has not been previously published as pathogenic or benign to our knowledge

Blueprint Genetics
Classification: Uncertain significance. Last evaluated: 2024-11-13. Review status: criteria provided, single submitter. Criteria: ACMG Guidelines, 2015. Collection method: clinical testing. Allele origin: germline.

3billion
Classification: Likely benign for Congenital multicore myopathy with external ophthalmoplegia. Last evaluated: 2024-09-20. Review status: criteria provided, single submitter. Criteria: ACMG Guidelines, 2015. Collection method: clinical testing. Allele origin: germline. Affected: no.
Comment: The homozygous variant was found in patients diagnosed with another variant in a different gene, with no symptoms related to the gene containing the homozygous variant.

Women's Health and Genetics/Laboratory Corporation of America, LabCorp
Classification: Uncertain significance. Last evaluated: 2023-09-13. Review status: criteria provided, single submitter. Criteria: LabCorp Variant Classification Summary - May 2015. Collection method: clinical testing. Allele origin: germline.
Comment: Variant summary: RYR1 c.13244_13264del21 (p.Ala4415_Asp4421del) results in an in-frame deletion that is predicted to remove 7 amino acids from the encoded protein. The variant allele was found at a frequency of 0.00015 in 85708 control chromosomes, predominantly at a frequency of 0.00072 within the East Asian subpopulation in the gnomAD database. The available data on variant occurrences in the general population are insufficient to allow any conclusion about variant significance. c.13244_13264del21 has been reported in the literature in at-least one individual affected with exertional heat stroke, without strong evidence for causality (example, Roux-Buisson_2016). These report(s) do not provide unequivocal conclusions about association of the variant with Malignant Hyperthermia Susceptibility. To our knowledge, no experimental evidence demonstrating an impact on protein function has been reported. Four submitters have cited clinical-significance assessments for this variant to ClinVar after 2014. All submitters classified the variant as uncertain significance. Based on the evidence outlined above, the variant was classified as uncertain significance.

Mayo Clinic Laboratories, Mayo Clinic
Classification: Uncertain significance. Last evaluated: 2020-06-25. Review status: criteria provided, single submitter. Criteria: ACMG Guidelines, 2015. Collection method: clinical testing. Allele origin: germline. Observed: 1 variant allele.

Literature cited by the submitters: PubMed 26994242 (cited by Labcorp Genetics (formerly Invitae), Labcorp and Women's Health and Genetics/Laboratory Corporation of America, LabCorp).

NM_000540.3(RYR1):c.13244_13264del (p.Ala4415_Asp4421del)

Gene: RYR1 (ryanodine receptor 1; plus strand). Cytogenetic location: 19q13.2.
Variant type: Deletion.
Coding change: c.13244_13264del on transcript NM_000540.3 (MANE Select); coding-DNA positions 13244 to 13264, 21 bases deleted (CCGCGGAGGGCGCTGGAGACG).
Protein change: p.Ala4415_Asp4421del.
Molecular consequence: inframe deletion.
Genome position (GRCh38, 1-based): chr19:38,565,578-38,565,598, CCGCGGAGGGCGCTGGAGACG deleted; deleting any 21 consecutive bases within chr19:38,565,562-38,565,598 gives the same sequence; the c. name uses the placement nearest the transcript's 3' end. VCF-style (leftmost placement, unchanged base first): chr19-38565561-CGAGGGCGCTGGAGACGCCGCG-C. GRCh37 (hg19) VCF-style: chr19-39056201-CGAGGGCGCTGGAGACGCCGCG-C.
Other names: c.13244_13264delCCGCGGAGGGCGCTGGAGACG (NM_000540.2); c.13244_13264del21 (NM_000540.2); c.13229_13249del, p.Ala4410_Asp4416del (NM_001042723.2).
Identifiers: ClinVar variation 478181 (VCV000478181.24), dbSNP rs763413580, ClinGen allele CA080815.